The following is an entry in ClinVar:

ClinVar aggregate classification (germline): Conflicting classifications of pathogenicity. Review status: criteria provided, conflicting classifications (1 of 4 stars). 3 submissions from 2 submitters: Uncertain significance (2); Likely benign (1). Last evaluated 2023-05-01.

Conditions:
Familial spontaneous pneumothorax (PSP). Identifiers: Orphanet 2903, MedGen C1868193, MONDO:0008259, OMIM 173600.
Birt-Hogg-Dube syndrome. Also called: Birt Hogg Dubé syndrome. Identifiers: Orphanet 122, MedGen C0346010, MONDO:0800444.

Allele frequency attached by ClinVar (database versions not stated): TOPMed 0.00055; gnomAD 0.00058; gnomAD exomes 0.00069.
gnomAD v4.1: 138 of 235,894 alleles (0.059%); highest among the groups gnomAD compares: Non-Finnish European, 0.094%; no homozygotes.

Submissions (3):

CeGaT Center for Human Genetics Tuebingen
Classification: Likely benign. Last evaluated: 2023-05-01. Review status: criteria provided, single submitter. Criteria: CeGaT Center For Human Genetics Tuebingen Variant Classification Criteria Version 2. Collection method: clinical testing. Allele origin: germline. Affected: yes. Observed: 5 variant alleles.
Comment: FLCN: BS1

Illumina Laboratory Services, Illumina
Classification: Uncertain significance for Familial spontaneous pneumothorax. Last evaluated: 2018-01-13. Review status: criteria provided, single submitter. Criteria: ICSL Variant Classification Criteria 13 December 2019. Collection method: clinical testing. Allele origin: germline.

Illumina Laboratory Services, Illumina
Classification: Uncertain significance for Birt-Hogg-Dube syndrome 1. Last evaluated: 2018-01-13. Review status: criteria provided, single submitter. Criteria: ICSL Variant Classification Criteria 13 December 2019. Collection method: clinical testing. Allele origin: germline.

NM_144997.7(FLCN):c.*695C>T

Gene: FLCN (folliculin; minus strand). Cytogenetic location: 17p11.2.
Variant type: single nucleotide variant.
Coding change: c.*695C>T on transcript NM_144997.7 (MANE Select); 695 bases downstream of the stop codon, C replaced by T.
Molecular consequence: 3 prime UTR variant.
Genome position (GRCh38, 1-based): chr17:17,212,960, G>A on the plus strand (C>T on the coding strand, the complement: FLCN is on the minus strand). VCF-style: chr17-17212960-G-A. GRCh37 (hg19) VCF-style: chr17-17116274-G-A.
Other names: c.*695C>T (NM_001353229.2, NM_001353230.2, NM_001353231.2 and 1 more transcripts).
Identifiers: ClinVar variation 322046 (VCV000322046.29), dbSNP rs775700421, ClinGen allele CA10648691.